The following is an entry in ClinVar:

ClinVar aggregate classification (germline): Uncertain significance (1 of 4 stars; one submission).

Conditions:
Inborn genetic diseases. Identifiers: MedGen C0950123, MeSH D030342.

gnomAD v4.1: 2 of 1,614,042 alleles (0.00012%); highest among the groups gnomAD compares: Non-Finnish European, 0.000085%; no homozygotes.

Submission:

Ambry Genetics
Classification: Uncertain significance for Inborn genetic diseases. Last evaluated: 2025-06-16. Review status: criteria provided, single submitter. Criteria: Ambry Variant Classification Scheme 2023. Collection method: clinical testing. Allele origin: germline.
Comment: The p.G154C variant (also known as c.460G>T), located in coding exon 1 of the SAMD9L gene, results from a G to T substitution at nucleotide position 460. The glycine at codon 154 is replaced by cysteine, an amino acid with highly dissimilar properties. This amino acid position is conserved. In addition, this alteration is predicted to be tolerated by in silico analysis. Based on the available evidence, the clinical significance of this variant remains unclear.

NM_152703.5(SAMD9L):c.460G>T (p.Gly154Cys)

Gene: SAMD9L (sterile alpha motif domain containing 9 like; minus strand). Cytogenetic location: 7q21.2.
Variant type: single nucleotide variant.
Coding change: c.460G>T on transcript NM_152703.5 (MANE Select); coding-DNA position 460, G replaced by T.
Protein change: p.Gly154Cys; replaces glycine 154 with cysteine.
Molecular consequence: missense variant.
Genome position (GRCh38, 1-based): chr7:93,135,512, C>A on the plus strand (G>T on the coding strand, the complement: SAMD9L is on the minus strand). VCF-style: chr7-93135512-C-A. GRCh37 (hg19) VCF-style: chr7-92764825-C-A.
Other names: c.460G>T, p.Gly154Cys (NM_001303496.3, NM_001303497.3, NM_001303498.3 and 5 more transcripts); short protein forms G154C.
Identifiers: ClinVar variation 4159239 (VCV004159239.1).